The following is an entry in ClinVar:

ClinVar aggregate classification (germline): Likely benign (0 of 4 stars; one submission).

Conditions:
SEMA3B-related disorder. Also called: SEMA3B-related condition.

Allele frequency attached by ClinVar (database versions not stated): ExAC 0.00003; gnomAD 0.00004; TOPMed 0.00003.
gnomAD v4.1: 10 of 1,585,562 alleles (0.00063%); highest among the groups gnomAD compares: African/African-American, 0.012%; no homozygotes.

Submission:

PreventionGenetics, part of Exact Sciences
Classification: Likely benign for SEMA3B-related condition. Last evaluated: 2021-09-24. Review status: no assertion criteria provided. Collection method: clinical testing. Allele origin: germline.
Comment: This variant is classified as likely benign based on ACMG/AMP sequence variant interpretation guidelines (Richards et al. 2015 PMID: 25741868, with internal and published modifications).

NM_001290060.2(SEMA3B):c.498G>A (p.Gly166=)

Gene: SEMA3B (semaphorin 3B; plus strand). Cytogenetic location: 3p21.31.
Variant type: single nucleotide variant.
Coding change: c.498G>A on transcript NM_001290060.2 (MANE Select); coding-DNA position 498, G replaced by A.
Protein change: p.Gly166=; no amino-acid change (glycine 166 retained).
Molecular consequence: synonymous variant.
Genome position (GRCh38, 1-based): chr3:50,271,135, G>A. VCF-style: chr3-50271135-G-A. GRCh37 (hg19) VCF-style: chr3-50308566-G-A.
Other names: c.498G>A, p.Gly166= (NM_001005914.3, NM_001290061.1, NM_004636.4).
Identifiers: ClinVar variation 3029328 (VCV003029328.2), dbSNP rs782530334, ClinGen allele CA2413782.
Genomic context (GRCh38, chr3:50,271,135, plus strand): 5'-CCACACCTCCCAGGAGCCCGTCCTCCGGCTGGACCCAGGAAGGATAGAGGATGGCAAGGG[G>A]AAGAGTCCTTATGACCCCAGGCATCGGGCTGCCTCCGTGCTGGTGGGTGAGTCCAAGGGC-3'
Protein context (NP_001276989.1, residues 156-176): LDPGRIEDGK[Gly166=]KSPYDPRHRA